The following is an entry in ClinVar:

ClinVar aggregate classification (germline): Uncertain significance (1 of 4 stars; one submission).

gnomAD v4.1: 2 of 1,613,594 alleles (0.00012%); highest among the groups gnomAD compares: East Asian, 0.0022%; no homozygotes.

Submission:

Labcorp Genetics (formerly Invitae), Labcorp
Classification: Uncertain significance. Last evaluated: 2023-12-21. Review status: criteria provided, single submitter. Criteria: Invitae Variant Classification Sherloc (09022015). Collection method: clinical testing. Allele origin: germline.
Comment: This sequence change replaces valine, which is neutral and non-polar, with leucine, which is neutral and non-polar, at codon 3958 of the PCLO protein (p.Val3958Leu). This variant is not present in population databases (gnomAD no frequency). This variant has not been reported in the literature in individuals affected with PCLO-related conditions. Experimental studies and prediction algorithms are not available or were not evaluated, and the functional significance of this variant is currently unknown. In summary, the available evidence is currently insufficient to determine the role of this variant in disease. Therefore, it has been classified as a Variant of Uncertain Significance.

NM_033026.6(PCLO):c.11872G>T (p.Val3958Leu)

Gene: PCLO (piccolo presynaptic cytomatrix protein; minus strand). Cytogenetic location: 7q21.11.
Variant type: single nucleotide variant.
Coding change: c.11872G>T on transcript NM_033026.6 (MANE Select); coding-DNA position 11872, G replaced by T.
Protein change: p.Val3958Leu; replaces valine 3958 with leucine.
Molecular consequence: missense variant.
Genome position (GRCh38, 1-based): chr7:82,916,114, C>A on the plus strand (G>T on the coding strand, the complement: PCLO is on the minus strand). VCF-style: chr7-82916114-C-A. GRCh37 (hg19) VCF-style: chr7-82545430-C-A.
Other names: c.11872G>T, p.Val3958Leu (NM_014510.3); short protein forms V3958L.
Identifiers: ClinVar variation 2963130 (VCV002963130.3), dbSNP rs2535553381, ClinGen allele CA367892723.